The following is an entry in ClinVar:

NM_001024630.4(RUNX2):c.-11_-9del

Genes: SUPT3H (SPT3 homolog, SAGA and STAGA complex component; minus strand), RUNX2 (RUNX family transcription factor 2; plus strand). Cytogenetic location: 6p21.1.
Variant type: Deletion.
Coding change: c.-11_-9del on transcript NM_001024630.4 (MANE Select); 11 bases upstream of the start codon through 9 bases upstream of the start codon, 3 bases deleted (AAG; older notation c.-11_-9delAAG).
Molecular consequence: 5 prime UTR variant. On other transcripts: non-coding transcript variant (2), intron variant (8).
Genome position (GRCh38, 1-based): chr6:45,328,716-45,328,718, AAG deleted. VCF-style (leftmost placement, unchanged base first): chr6-45328715-AAAG-A. GRCh37 (hg19) VCF-style: chr6-45296452-AAAG-A.
Other names: c.-11_-9del (NM_001015051.4); c.-73+36483_-73+36485del (NM_001350327.2); c.101+36483_101+36485del (NM_001350325.2, NM_003599.4, NM_001350324.2 and 1 more transcripts); c.-265+36483_-265+36485del (NM_001261823.2); c.-51-5751_-51-5749del (NM_181356.3, NM_001350326.2).
Identifiers: ClinVar variation 357089 (VCV000357089.38), dbSNP rs139788537, ClinGen allele CA3836172.

ClinVar aggregate classification (germline): Benign/Likely benign. Review status: criteria provided, multiple submitters, no conflicts (2 of 4 stars). 3 submissions from 3 submitters: Benign (1); Likely benign (2). Last evaluated 2024-02-01.

Allele frequency attached by ClinVar (database versions not stated): 1000 Genomes Project 30x 0.00125; 1000 Genomes Project 0.00160; TOPMed 0.00211; ESP Exome Variant Server 0.00253; ExAC 0.00381; gnomAD 0.00386 and 0.00393; gnomAD exomes 0.00411 and 0.00424.

Submissions (3):

CeGaT Center for Human Genetics Tuebingen
Classification: Likely benign. Last evaluated: 2024-02-01. Review status: criteria provided, single submitter. Criteria: CeGaT Center For Human Genetics Tuebingen Variant Classification Criteria Version 2. Collection method: clinical testing. Allele origin: germline. Affected: yes. Observed: 3 variant alleles.
Comment: RUNX2: BS1

ARUP Laboratories, Molecular Genetics and Genomics, ARUP Laboratories
Classification: Benign. Last evaluated: 2021-02-05. Review status: criteria provided, single submitter. Criteria: ARUP Molecular Germline Variant Investigation Process 2021. Collection method: clinical testing. Allele origin: germline.

GeneDx
Classification: Likely benign. Last evaluated: 2018-11-05. Review status: criteria provided, single submitter. Criteria: GeneDx Variant Classification Process June 2021. Collection method: clinical testing. Allele origin: germline. Affected: yes.